The following is an entry in ClinVar:

ClinVar aggregate classification (germline): Benign/Likely benign. Review status: criteria provided, multiple submitters, no conflicts (2 of 4 stars). 3 submissions from 3 submitters: Benign (2); Likely benign (1). Last evaluated 2026-02-01.

Allele frequency attached by ClinVar (database versions not stated): gnomAD exomes 0.00036 and 0.00092; ExAC 0.00186; 1000 Genomes Project 30x 0.00297; 1000 Genomes Project 0.00319; ESP Exome Variant Server 0.00358; gnomAD 0.00385 and 0.00408; TOPMed 0.00422.
gnomAD v4.1: 1,110 of 1,597,764 alleles (0.069%); highest among the groups gnomAD compares: African/African-American, 1.4%; 11 homozygotes.

Submissions (3):

Labcorp Genetics (formerly Invitae), Labcorp
Classification: Benign. Last evaluated: 2026-02-01. Review status: criteria provided, single submitter. Criteria: Invitae Variant Classification Sherloc (09022015). Collection method: clinical testing. Allele origin: germline.

Blueprint Genetics
Classification: Likely benign. Last evaluated: 2024-10-18. Review status: criteria provided, single submitter. Criteria: ACMG Guidelines, 2015. Collection method: clinical testing. Allele origin: germline.

CeGaT Center for Human Genetics Tuebingen
Classification: Benign. Last evaluated: 2024-07-01. Review status: criteria provided, single submitter. Criteria: CeGaT Center For Human Genetics Tuebingen Variant Classification Criteria Version 2. Collection method: clinical testing. Allele origin: germline. Affected: yes. Observed: 2 variant alleles.
Comment: CFD: BP4, BS1, BS2

NM_001928.4(CFD):c.358-7C>T

Gene: CFD (complement factor D; plus strand). Cytogenetic location: 19p13.3.
Variant type: single nucleotide variant.
Coding change: c.358-7C>T on transcript NM_001928.4 (MANE Select); 7 bases into the intron before coding-DNA position 358, C replaced by T.
Molecular consequence: intron variant.
Genome position (GRCh38, 1-based): chr19:861,692, C>T. VCF-style: chr19-861692-C-T. GRCh37 (hg19) VCF-style: chr19-861692-C-T.
Other names: c.379-7C>T (NM_001317335.2).
Identifiers: ClinVar variation 1167374 (VCV001167374.41), dbSNP rs193047313, ClinGen allele CA9026343.